The following is an entry in ClinVar:

ClinVar aggregate classification (germline): Uncertain significance (1 of 4 stars; one submission).

Conditions:
Duchenne muscular dystrophy (DMD). Also called: MUSCULAR DYSTROPHY, PSEUDOHYPERTROPHIC PROGRESSIVE, DUCHENNE TYPE; Duchenne Muscular Dystrophy (DMD). Identifiers: Orphanet 98896, MedGen C0013264, MONDO:0010679, OMIM 310200.

Submission:

Labcorp Genetics (formerly Invitae), Labcorp
Classification: Uncertain significance for Duchenne muscular dystrophy. Last evaluated: 2024-10-07. Review status: criteria provided, single submitter. Criteria: Invitae Variant Classification Sherloc (09022015). Collection method: clinical testing. Allele origin: germline.
Comment: This sequence change replaces glycine, which is neutral and non-polar, with alanine, which is neutral and non-polar, at codon 3655 of the DMD protein (p.Gly3655Ala). This variant is not present in population databases (gnomAD no frequency). This variant has not been reported in the literature in individuals affected with DMD-related conditions. ClinVar contains an entry for this variant (Variation ID: 2074543). Invitae Evidence Modeling of protein sequence and biophysical properties (such as structural, functional, and spatial information, amino acid conservation, physicochemical variation, residue mobility, and thermodynamic stability) indicates that this missense variant is not expected to disrupt DMD protein function with a negative predictive value of 95%. In summary, the available evidence is currently insufficient to determine the role of this variant in disease. Therefore, it has been classified as a Variant of Uncertain Significance.

NM_004006.3(DMD):c.10964G>C (p.Gly3655Ala)

Gene: DMD (dystrophin; minus strand). Cytogenetic location: Xp21.2.
Variant type: single nucleotide variant.
Coding change: c.10964G>C on transcript NM_004006.3 (MANE Select); coding-DNA position 10964, G replaced by C.
Protein change: p.Gly3655Ala; replaces glycine 3655 with alanine.
Molecular consequence: missense variant.
Genome position (GRCh38, 1-based): chrX:31,134,152, C>G on the plus strand (G>C on the coding strand, the complement: DMD is on the minus strand). VCF-style: chrX-31134152-C-G. GRCh37 (hg19) VCF-style: chrX-31152269-C-G.
Other names: c.10940G>C, p.Gly3647Ala (NM_000109.4); c.10952G>C, p.Gly3651Ala (NM_004009.3); c.10595G>C, p.Gly3532Ala (NM_004010.3); c.6941G>C, p.Gly2314Ala (NM_004011.4); c.6932G>C, p.Gly2311Ala (NM_004012.4); c.3584G>C, p.Gly1195Ala (NM_004013.3, NM_004021.3); c.2777G>C, p.Gly926Ala (NM_004014.3); c.1760G>C, p.Gly587Ala (NM_004015.3, NM_004016.3); and 3 more; short protein forms G1182A, G3651A, G926A, G2311A, G3532A, G3647A, G574A, G1195A.
Identifiers: ClinVar variation 2074543 (VCV002074543.3), dbSNP rs776282633, ClinGen allele CA412648173.